The following is an entry in ClinVar:

NM_014285.7(EXOSC2):c.134C>T (p.Thr45Met)

Gene: EXOSC2 (exosome component 2; plus strand). Cytogenetic location: 9q34.12.
Variant type: single nucleotide variant.
Coding change: c.134C>T on transcript NM_014285.7 (MANE Select); coding-DNA position 134, C replaced by T.
Protein change: p.Thr45Met; replaces threonine 45 with methionine.
Molecular consequence: missense variant. On other transcripts: non-coding transcript variant (1).
Genome position (GRCh38, 1-based): chr9:130,695,503, C>T. VCF-style: chr9-130695503-C-T. GRCh37 (hg19) VCF-style: chr9-133570890-C-T.
Other names: c.134C>T, p.Thr45Met (NM_001282708.1, NM_001282709.1); short protein forms T45M.
Identifiers: ClinVar variation 1504825 (VCV001504825.5), dbSNP rs748117919, ClinGen allele CA5284761.

ClinVar aggregate classification (germline): Uncertain significance (1 of 4 stars; one submission).

Allele frequency attached by ClinVar (database versions not stated): ExAC 0.00001; gnomAD 0.00001; gnomAD exomes 0.00001; TOPMed 0.00002.
gnomAD v4.1: 17 of 1,613,818 alleles (0.0011%); highest among the groups gnomAD compares: Middle Eastern, 0.016%; no homozygotes.

Submission:

Labcorp Genetics (formerly Invitae), Labcorp
Classification: Uncertain significance. Last evaluated: 2022-07-20. Review status: criteria provided, single submitter. Criteria: Invitae Variant Classification Sherloc (09022015). Collection method: clinical testing. Allele origin: germline.
Comment: This sequence change replaces threonine, which is neutral and polar, with methionine, which is neutral and non-polar, at codon 45 of the EXOSC2 protein (p.Thr45Met). This variant is present in population databases (rs748117919, gnomAD 0.003%). This variant has not been reported in the literature in individuals affected with EXOSC2-related conditions. ClinVar contains an entry for this variant (Variation ID: 1504825). Algorithms developed to predict the effect of missense changes on protein structure and function (SIFT, PolyPhen-2, Align-GVGD) all suggest that this variant is likely to be disruptive. In summary, the available evidence is currently insufficient to determine the role of this variant in disease. Therefore, it has been classified as a Variant of Uncertain Significance.